The following is an entry in ClinVar:

ClinVar aggregate classification (germline): Likely benign (0 of 4 stars; one submission).

Conditions:
ZNF462-related disorder. Also called: ZNF462-related condition; ZNF462 related disease.

Allele frequency attached by ClinVar (database versions not stated): ExAC 0.00004; TOPMed 0.00004; gnomAD 0.00006; gnomAD exomes 0.00006.
gnomAD v4.1: 100 of 1,613,970 alleles (0.0062%); highest among the groups gnomAD compares: Middle Eastern, 0.016%; no homozygotes.

Submission:

PreventionGenetics, part of Exact Sciences
Classification: Likely benign for ZNF462-related condition. Last evaluated: 2019-05-08. Review status: no assertion criteria provided. Collection method: clinical testing. Allele origin: germline.
Comment: This variant is classified as likely benign based on ACMG/AMP sequence variant interpretation guidelines (Richards et al. 2015 PMID: 25741868, with internal and published modifications).

NM_021224.6(ZNF462):c.3888G>A (p.Thr1296=)

Gene: ZNF462 (zinc finger protein 462; plus strand). Cytogenetic location: 9q31.2.
Variant type: single nucleotide variant.
Coding change: c.3888G>A on transcript NM_021224.6 (MANE Select); coding-DNA position 3888, G replaced by A.
Protein change: p.Thr1296=; no amino-acid change (threonine 1296 retained).
Molecular consequence: synonymous variant. On other transcripts: intron variant (1).
Genome position (GRCh38, 1-based): chr9:106,927,800, G>A. VCF-style: chr9-106927800-G-A. GRCh37 (hg19) VCF-style: chr9-109690081-G-A.
Other names: c.3252+636G>A (NM_001347997.2).
Identifiers: ClinVar variation 3041464 (VCV003041464.2), dbSNP rs765249532, ClinGen allele CA5171741.